The following is an entry in ClinVar:

NM_000257.4(MYH7):c.531-144G>A

Gene: MYH7 (myosin heavy chain 7; minus strand). Cytogenetic location: 14q11.2.
Variant type: single nucleotide variant.
Coding change: c.531-144G>A on transcript NM_000257.4 (MANE Select); 144 bases into the intron before coding-DNA position 531, G replaced by A.
Molecular consequence: intron variant.
Genome position (GRCh38, 1-based): chr14:23,432,013, C>T on the plus strand (G>A on the coding strand, the complement: MYH7 is on the minus strand). VCF-style: chr14-23432013-C-T. GRCh37 (hg19) VCF-style: chr14-23901222-C-T.
Identifiers: ClinVar variation 675766 (VCV000675766.1), dbSNP rs73587633, ClinGen allele CA257826193.

ClinVar aggregate classification (germline): Likely benign (1 of 4 stars; one submission).

Allele frequency attached by ClinVar (database versions not stated): gnomAD exomes 0.00070; gnomAD 0.00597 and 0.00648; TOPMed 0.00667; 1000 Genomes Project 0.00879; 1000 Genomes Project 30x 0.00968.
gnomAD v4.1: 1,425 of 837,416 alleles (0.17%); highest among the groups gnomAD compares: African/African-American, 2%; 19 homozygotes.

Submission:

GeneDx
Classification: Likely benign. Last evaluated: 2018-06-19. Review status: criteria provided, single submitter. Criteria: GeneDx Variant Classification (06012015). Collection method: clinical testing. Allele origin: germline. Affected: yes.
Comment: This variant is considered likely benign or benign based on one or more of the following criteria: it is a conservative change, it occurs at a poorly conserved position in the protein, it is predicted to be benign by multiple in silico algorithms, and/or has population frequency not consistent with disease.